The following is an entry in ClinVar:

ClinVar aggregate classification (germline): Pathogenic (1 of 4 stars; one submission).

Conditions:
Breast-ovarian cancer, familial, susceptibility to, 2 (BROVCA2). Also called: BRCA2 Hereditary Breast and Ovarian Cancer. Identifiers: Orphanet 145, MedGen C2675520, MONDO:0012933, OMIM 612555. Disease mechanism: loss of function.

Submission:

Myriad Genetics, Inc.
Classification: Pathogenic for Breast-ovarian cancer, familial, susceptibility to, 2. Last evaluated: 2023-06-28. Review status: criteria provided, single submitter. Criteria: Myriad Autosomal Dominant, Autosomal Recessive and X-Linked Classification Criteria (2023). Collection method: clinical testing. Allele origin: unknown.
Comment: This variant is considered pathogenic. This variant creates a termination codon and is predicted to result in premature protein truncation.

NM_000059.4(BRCA2):c.7803del (p.Phe2600_Tyr2601insTer)

Gene: BRCA2 (BRCA2 DNA repair associated; plus strand). Cytogenetic location: 13q13.1.
Variant type: Deletion.
Coding change: c.7803del on transcript NM_000059.4 (MANE Select); coding-DNA position 7803, one base deleted (T; older notation c.7803delT).
Protein change: p.Phe2600_Tyr2601insTer.
Molecular consequence: nonsense. On other transcripts: non-coding transcript variant (1).
Genome position (GRCh38, 1-based): chr13:32,357,927, T deleted. VCF-style (leftmost placement, unchanged base first): chr13-32357926-AT-A. GRCh37 (hg19) VCF-style: chr13-32932063-AT-A.
Other names: c.7707del, p.Phe2568_Tyr2569insTer (NM_001406719.1); c.7803del, p.Phe2600_Tyr2601insTer (NM_001406720.1); c.2871del, p.Phe956_Tyr957insTer (NM_001406721.1); c.1386del, p.Phe461_Tyr462insTer (NM_001406722.1).
Identifiers: ClinVar variation 2583279 (VCV002583279.2), dbSNP rs2548542811, ClinGen allele CA2582341811.
Genomic context (GRCh38, chr13:32,357,926, plus strand): 5'-TGGCTGATGGTGGATGGCTCATACCCTCCAATGATGGAAAGGCTGGAAAAGAAGAATTTT[AT>A]AGGTACTCTATGCAAAAAGATTGTGTGTTAACTTTTATGTATTCCCTCATCCCTCTTTCT-3'